The following is an entry in ClinVar:

ClinVar aggregate classification (germline): Uncertain significance (1 of 4 stars; one submission).

Conditions:
Hereditary cancer-predisposing syndrome. Also called: Tumor predisposition; Hereditary neoplastic syndrome; Neoplastic Syndromes, Hereditary; Hereditary Cancer Syndrome. Identifiers: Orphanet 140162, MedGen C0027672, MeSH D009386, MONDO:0015356.

Submission:

Ambry Genetics
Classification: Uncertain significance for Hereditary cancer-predisposing syndrome. Last evaluated: 2025-03-17. Review status: criteria provided, single submitter. Criteria: Ambry Variant Classification Scheme 2023. Collection method: clinical testing. Allele origin: germline.
Comment: The c.1266_1283dup18 variant (also known as p.Q425_V430dup), located in coding exon 8 of the FLCN gene, results from an in-frame duplication of 18 nucleotides at nucleotide positions 1266 to 1283. This results in the duplication of 6 extra residues (QIPPHV) between codons 425 and 430. This amino acid region is generally well conserved in available vertebrate species. In addition, the in silico prediction for this alteration is inconclusive (Choi Y et al. PLoS ONE. 2012; 7(10):e46688). Based on the available evidence, the clinical significance of this variant remains unclear.

NM_144997.7(FLCN):c.1266_1283dup (p.Val430_Leu431insGlnIleProProHisVal)

Gene: FLCN (folliculin; minus strand). Cytogenetic location: 17p11.2.
Variant type: Duplication.
Coding change: c.1266_1283dup on transcript NM_144997.7 (MANE Select); coding-DNA positions 1266 to 1283, 18 bases duplicated (GCACGTGCAGATCCCCCC).
Protein change: p.Val430_Leu431insGlnIleProProHisVal.
Molecular consequence: inframe indel (on NM_144997.5).
Genome position (GRCh38, 1-based): chr17:17,216,397-17,216,414, GGGGGGATCTGCACGTGC duplicated on the plus strand (GCACGTGCAGATCCCCCC on the coding strand, the reverse complement: FLCN is on the minus strand); duplicating any 18 consecutive bases within chr17:17,216,397-17,216,417 gives the same sequence; the c. name uses the placement nearest the transcript's 3' end. VCF-style (leftmost placement, unchanged base first): chr17-17216396-G-GGGGGGGATCTGCACGTGC. GRCh37 (hg19) VCF-style: chr17-17119710-G-GGGGGGGATCTGCACGTGC.
Other names: c.1320_1337dup, p.Val448_Leu449insGlnIleProProHisVal (NM_001353229.2); c.1266_1283dup, p.Val430_Leu431insGlnIleProProHisVal (NM_001353230.2, NM_001353231.2); c.1266_1283dupGCACGTGCAGATCCCCCC (NM_144997.5).
Identifiers: ClinVar variation 4025296 (VCV004025296.1).
Genomic context (GRCh38, chr17:17,216,396, plus strand): 5'-ACCTCAGCGCAGGGCATGGCCCCACAGCCCGCGGGGGCACGCACCTGAGGAGAGCACGTG[G>GGGGGGGATCTGCACGTGC]GGGGGGATCTGCACGTGCGGGCTGAGCCCCAGGAAGTTGCACCGATAGGCCTCCTCGTAC-3'